The following is an entry in ClinVar:

ClinVar aggregate classification (germline): Uncertain significance (1 of 4 stars; one submission).

Conditions:
Spastic paraplegia. Identifiers: MedGen C0037772, HP:0001258.

Submission:

Labcorp Genetics (formerly Invitae), Labcorp
Classification: Uncertain significance for Spastic paraplegia. Last evaluated: 2025-02-04. Review status: criteria provided, single submitter. Criteria: Invitae Variant Classification Sherloc (09022015). Collection method: clinical testing. Allele origin: germline.
Comment: This sequence change affects the initiator methionine of the SLC33A1 mRNA. The next in-frame methionine is located at codon 25. This variant is not present in population databases (gnomAD no frequency). Disruption of the initiator codon has been observed in individual(s) with hereditary spastic paraplegia (PMID: 34983064). Experimental studies and prediction algorithms are not available or were not evaluated, and the functional significance of this variant is currently unknown. In summary, the available evidence is currently insufficient to determine the role of this variant in disease. Therefore, it has been classified as a Variant of Uncertain Significance.

Literature cited by the submitters: PubMed 34983064.

NM_004733.4(SLC33A1):c.2T>C (p.Met1Thr)

Gene: SLC33A1 (solute carrier family 33 member 1; minus strand). Cytogenetic location: 3q25.31.
Variant type: single nucleotide variant.
Coding change: c.2T>C on transcript NM_004733.4 (MANE Select); coding-DNA position 2, T replaced by C.
Protein change: p.Met1Thr; changes the start codon (methionine 1).
Molecular consequence: missense variant, initiator codon variant.
Genome position (GRCh38, 1-based): chr3:155,853,996, A>G on the plus strand (T>C on the coding strand, the complement: SLC33A1 is on the minus strand). VCF-style: chr3-155853996-A-G. GRCh37 (hg19) VCF-style: chr3-155571785-A-G.
Other names: c.2T>C, p.Met1Thr (NM_001190992.2, NM_001363883.1); short protein forms M1T.
Identifiers: ClinVar variation 4770770 (VCV004770770.1).
Genomic context (GRCh38, chr3:155,853,996, plus strand): 5'-TGACTGAAATTCCCTGGCCGCCGTTGCCGGCTGCTGTCCTTGTGGGAGATGGTGGGTGAC[A>G]TATCAGAGACGATGCAGAGCCCCGTCTGTGGGGGGCCGAGGCTGAGCGTTTTGGATCCGT-3'
Protein context (NP_004724.1, residues 1-11): [Met1Thr]SPTISHKDSS